The following is an entry in ClinVar:

NM_022788.5(P2RY12):c.858A>T (p.Leu286Phe)

Genes: MED12L (mediator complex subunit 12L; plus strand), P2RY12 (purinergic receptor P2Y12; minus strand). Cytogenetic location: 3q25.1.
Variant type: single nucleotide variant.
Coding change: c.858A>T on transcript NM_022788.5 (MANE Select); coding-DNA position 858, A replaced by T.
Protein change: p.Leu286Phe; replaces leucine 286 with phenylalanine.
Molecular consequence: missense variant. On other transcripts: intron variant (2).
Genome position (GRCh38, 1-based): chr3:151,337,988, T>A on the plus strand (A>T on the coding strand, the complement: P2RY12 is on the minus strand). VCF-style: chr3-151337988-T-A. GRCh37 (hg19) VCF-style: chr3-151055776-T-A.
Other names: c.858A>T, p.Leu286Phe (NM_176876.3); c.2251-12071T>A (NM_001393769.1); c.2146-12071T>A (NM_053002.6); short protein forms L286F.
Identifiers: ClinVar variation 4705867 (VCV004705867.1).

ClinVar aggregate classification (germline): Uncertain significance (1 of 4 stars; one submission).

gnomAD v4.1: 7 of 1,614,018 alleles (0.00043%); highest among the groups gnomAD compares: African/African-American, 0.0093%; no homozygotes.

Submission:

Labcorp Genetics (formerly Invitae), Labcorp
Classification: Uncertain significance. Last evaluated: 2025-07-06. Review status: criteria provided, single submitter. Criteria: Invitae Variant Classification Sherloc (09022015). Collection method: clinical testing. Allele origin: germline.
Comment: This sequence change replaces leucine, which is neutral and non-polar, with phenylalanine, which is neutral and non-polar, at codon 286 of the P2RY12 protein (p.Leu286Phe). This variant is present in population databases (no rsID available, gnomAD 0.01%). This variant has not been reported in the literature in individuals affected with P2RY12-related conditions. An algorithm developed to predict the effect of missense changes on protein structure and function (PolyPhen-2) suggests that this variant is likely to be disruptive. In summary, the available evidence is currently insufficient to determine the role of this variant in disease. Therefore, it has been classified as a Variant of Uncertain Significance.